The following is an entry in ClinVar:

Conditions:
Breast-ovarian cancer, familial, susceptibility to, 1 (BROVCA1). Also called: BRCA1 Hereditary Breast and Ovarian Cancer; OVARIAN CANCER, SUSCEPTIBILITY TO. Identifiers: Orphanet 145, MedGen C2676676, MONDO:0011450, OMIM 604370. Disease mechanism: loss of function.

Submission:

Brotman Baty Institute, University of Washington
No classification provided (evidence only). Condition: Breast-ovarian cancer, familial 1. Review status: no classification provided. Collection method: in vitro. Allele origin: not applicable. Functional consequence: functionally_normal.
ClinVar note: "not provided" was previously submitted as the classification for the variant. However, the classification appeared to be based only on an observation of functional data so it was converted to no classification on 2025-07-30.

NM_007294.4(BRCA1):c.5193+17A>G

Gene: BRCA1 (BRCA1 DNA repair associated; minus strand). Cytogenetic location: 17q21.31.
Variant type: single nucleotide variant.
Coding change: c.5193+17A>G on transcript NM_007294.4 (MANE Select); 17 bases into the intron after coding-DNA position 5193, A replaced by G.
Molecular consequence: intron variant.
Genome position (GRCh38, 1-based): chr17:43,063,316, T>C on the plus strand (A>G on the coding strand, the complement: BRCA1 is on the minus strand). VCF-style: chr17-43063316-T-C. GRCh37 (hg19) VCF-style: chr17-41215333-T-C.
Other names: c.1740+17A>G (NM_001408458.1, NM_001408461.1, NM_001408464.1 and 7 more transcripts); c.4302+17A>G (NM_001407967.1); c.4812+17A>G (NM_001407959.1); c.4926+17A>G (NM_001407931.1, NM_001407932.1, NM_001407928.1 and 4 more transcripts); c.5049+17A>G (NM_001407747.1, NM_001407745.1, NM_001407737.1 and 21 more transcripts); c.4809+17A>G (NM_001407962.1, NM_001407960.1); c.1380+17A>G (NM_001408512.1); c.1503+17A>G (NM_001408510.1); and 72 more.
Identifiers: ClinVar variation 865125 (VCV000865125.3), dbSNP rs2051850053, ClinGen allele CA916080003.